The following is an entry in ClinVar:

NM_138413.4(HOGA1):c.337G>A (p.Glu113Lys)

Gene: HOGA1 (4-hydroxy-2-oxoglutarate aldolase 1; plus strand). Cytogenetic location: 10q24.2.
Variant type: single nucleotide variant.
Coding change: c.337G>A on transcript NM_138413.4 (MANE Select); coding-DNA position 337, G replaced by A.
Protein change: p.Glu113Lys; replaces glutamic acid 113 with lysine.
Molecular consequence: missense variant. On other transcripts: intron variant (1).
Genome position (GRCh38, 1-based): chr10:97,598,900, G>A. VCF-style: chr10-97598900-G-A. GRCh37 (hg19) VCF-style: chr10-99358657-G-A.
Other names: c.212-2957G>A (NM_001134670.2); short protein forms E113K.
Identifiers: ClinVar variation 204270 (VCV000204270.18), dbSNP rs150702945, ClinGen allele CA203948.

ClinVar aggregate classification (germline): Pathogenic/Likely pathogenic. Review status: criteria provided, multiple submitters, no conflicts (2 of 4 stars). 5 submissions from 5 submitters: Pathogenic (1); Likely pathogenic (3). 1 of the submissions does not count toward it. Last evaluated 2025-11-28.

Conditions:
Primary hyperoxaluria type 3. Also called: PH III. Identifiers: Orphanet 416, Orphanet 93600, MedGen C3150878, MONDO:0013327, OMIM 613616. Disease mechanism: loss of function.

Allele frequency attached by ClinVar (database versions not stated): TOPMed 0.00002.
gnomAD v4.1: 16 of 1,613,920 alleles (0.00099%); highest among the groups gnomAD compares: South Asian, 0.0044%; no homozygotes.

Submissions (5):

Natera, Inc.
Classification: Likely pathogenic for Primary hyperoxaluria type III. Last evaluated: 2025-11-28. Review status: criteria provided, single submitter. Criteria: Natera Variant Classification Schema (03/2026). Collection method: clinical testing. Allele origin: germline.
Comment: The c.337G>A variant in HOGA1 is a missense variant predicted to cause substitution of glutamic acid to lysine at amino acid 113. This variant is rare in the general population with a frequency below the threshold expected for the associated phenotype(s). This variant has been observed in one or more individuals affected with the associated recessive disease, as either homozygous or compound heterozygous with a second variant (PMID: 33865885). This variant has been identified in one or more affected individual with a phenotype highly consistent with the associated gene (PMID: 26342005). Computational prediction algorithms indicate this variant is likely to affect gene or protein function. Given the available evidence, this variant is classified as Likely Pathogenic.

CeGaT Center for Human Genetics Tuebingen
Classification: Likely pathogenic. Last evaluated: 2025-05-01. Review status: criteria provided, single submitter. Criteria: CeGaT Center For Human Genetics Tuebingen Variant Classification Criteria Version 2. Collection method: clinical testing. Allele origin: germline. Affected: yes. Observed: 1 variant allele.
Comment: HOGA1: PM2, PM5, PM3:Supporting, PP3

Labcorp Genetics (formerly Invitae), Labcorp
Classification: Likely pathogenic. Last evaluated: 2024-03-06. Review status: criteria provided, single submitter. Criteria: Invitae Variant Classification Sherloc (09022015). Collection method: clinical testing. Allele origin: germline.
Comment: This sequence change replaces glutamic acid, which is acidic and polar, with lysine, which is basic and polar, at codon 113 of the HOGA1 protein (p.Glu113Lys). This variant is present in population databases (rs150702945, gnomAD 0.0009%). This missense change has been observed in individual(s) with autosomal recessive hyperoxaluria (PMID: 26342005). ClinVar contains an entry for this variant (Variation ID: 204270). Advanced modeling of protein sequence and biophysical properties (such as structural, functional, and spatial information, amino acid conservation, physicochemical variation, residue mobility, and thermodynamic stability) performed at Invitae indicates that this missense variant is expected to disrupt HOGA1 protein function with a positive predictive value of 95%. In summary, the currently available evidence indicates that the variant is pathogenic, but additional data are needed to prove that conclusively. Therefore, this variant has been classified as Likely Pathogenic.

Clinical Biochemistry Laboratory, Health Services Laboratory
Classification: Pathogenic for Primary hyperoxaluria type 3. Last evaluated: 2023-10-27. Review status: criteria provided, single submitter. Criteria: ACMG Guidelines, 2015. Collection method: clinical testing. Allele origin: germline. Affected: yes.
Comment: ACMG: PS5 PM1 PM2 PM3 PP3. Raised urinary hydroxyoxoglutarate and dihydroxyglutarate

Counsyl
Classification: Uncertain significance for Primary hyperoxaluria type 3. Last evaluated: 2017-08-17. Review status: no assertion criteria provided. Collection method: clinical testing. Allele origin: unknown. Not counted in ClinVar's aggregate classification.

Literature cited by the submitters: PubMed 33865885 (cited by Natera, Inc.); PubMed 26342005 (cited by 3 submitters).